The following is an entry in ClinVar:

ClinVar aggregate classification (germline): Uncertain significance (1 of 4 stars; one submission).

Conditions:
Dilated cardiomyopathy 1G (CMD1G). Identifiers: Orphanet 154, MedGen C1858763, MONDO:0011400, OMIM 604145.
Autosomal recessive limb-girdle muscular dystrophy type 2J (LGMDR10). Also called: Limb-girdle muscular dystrophy, type 2J; MUSCULAR DYSTROPHY, LIMB-GIRDLE, AUTOSOMAL RECESSIVE 10. Identifiers: Orphanet 140922, MedGen C1837342, MONDO:0012127, OMIM 608807.

Submission:

Labcorp Genetics (formerly Invitae), Labcorp
Classification: Uncertain significance for Dilated cardiomyopathy 1G; Autosomal recessive limb-girdle muscular dystrophy type 2J. Last evaluated: 2024-04-24. Review status: criteria provided, single submitter. Criteria: Invitae Variant Classification Sherloc (09022015). Collection method: clinical testing. Allele origin: germline.
Comment: This sequence change replaces alanine, which is neutral and non-polar, with threonine, which is neutral and polar, at codon 35580 of the TTN protein (p.Ala35580Thr). This variant is not present in population databases (gnomAD no frequency). This variant has not been reported in the literature in individuals affected with TTN-related conditions. Experimental studies and prediction algorithms are not available or were not evaluated, and the functional significance of this variant is currently unknown. This variant is located in the M band of TTN (PMID: 25589632). Non-truncating variants in this region may be relevant for neuromuscular disorders, but have not been definitively shown to cause cardiomyopathy (PMID: 23975875). In summary, the available evidence is currently insufficient to determine the role of this variant in disease. Therefore, it has been classified as a Variant of Uncertain Significance.

Literature cited by the submitters: PubMed 25589632; PubMed 23975875.

NM_001267550.2(TTN):c.106738G>A (p.Ala35580Thr)

Genes: TTN-AS1 (TTN antisense RNA 1; plus strand), TTN (titin; minus strand). Cytogenetic location: 2q31.2.
Variant type: single nucleotide variant.
Coding change: c.106738G>A on transcript NM_001267550.2 (MANE Select); coding-DNA position 106738, G replaced by A.
Protein change: p.Ala35580Thr; replaces alanine 35580 with threonine.
Molecular consequence: missense variant.
Genome position (GRCh38, 1-based): chr2:178,529,013, C>T on the plus strand (G>A on the coding strand, the complement: TTN is on the minus strand). VCF-style: chr2-178529013-C-T. GRCh37 (hg19) VCF-style: chr2-179393740-C-T.
Other names: c.101815G>A, p.Ala33939Thr (NM_001256850.1); c.79543G>A, p.Ala26515Thr (NM_003319.4); c.99034G>A, p.Ala33012Thr (NM_133378.4); c.79918G>A, p.Ala26640Thr (NM_133432.3); c.80119G>A, p.Ala26707Thr (NM_133437.4); short protein forms A26515T, A26640T, A26707T, A33012T, A33939T, A35580T.
Identifiers: ClinVar variation 3755986 (VCV003755986.2).
Genomic context (GRCh38, chr2:178,529,013, plus strand): 5'-ATGCCTGTGATGTTTTAGTGATTTCCTCATGGACAATGGATTTTTCCAGGGAGGTTGCTG[C>T]TGATTTCTTGACTTCTTCAGAAATCAGAACCTTTGAAGCTTCCTCTTTGAGGGCTAACTT-3'
Protein context (NP_001254479.2, residues 35570-35590): VLISEEVKKS[Ala35580Thr]ATSLEKSIVH